The following is an entry in ClinVar:

NM_015978.3(TNNI3K):c.348G>T (p.Leu116Phe)

Genes: FPGT-TNNI3K (FPGT-TNNI3K readthrough; plus strand), TNNI3K (TNNI3 interacting kinase; plus strand). Cytogenetic location: 1p31.1.
Variant type: single nucleotide variant.
Coding change: c.348G>T on transcript NM_015978.3 (MANE Select); coding-DNA position 348, G replaced by T.
Protein change: p.Leu116Phe; replaces leucine 116 with phenylalanine.
Molecular consequence: missense variant.
Genome position (GRCh38, 1-based): chr1:74,271,612, G>T. VCF-style: chr1-74271612-G-T. GRCh37 (hg19) VCF-style: chr1-74737296-G-T.
Other names: c.651G>T, p.Leu217Phe (NM_001112808.3, NM_001199327.2); short protein forms L217F, L116F.
Identifiers: ClinVar variation 4745939 (VCV004745939.1).
Genomic context (GRCh38, chr1:74,271,612, plus strand): 5'-CCTGTTATTAGCAGAAAAGTAACACTAAAGATATGTTTCCTTACAGGATAATGCAGAATT[G>T]ATCACTTCTCTGCTTCACAGTGGAGCTGATATACAGCAGGTTGGATACGGTGGCCTCACT-3'
Protein context (NP_057062.1, residues 106-126): HLAVYKDNAE[Leu116Phe]ITSLLHSGAD

ClinVar aggregate classification (germline): Uncertain significance (1 of 4 stars; one submission).

Submission:

Labcorp Genetics (formerly Invitae), Labcorp
Classification: Uncertain significance. Last evaluated: 2025-09-13. Review status: criteria provided, single submitter. Criteria: Invitae Variant Classification Sherloc (09022015). Collection method: clinical testing. Allele origin: germline.
Comment: This sequence change replaces leucine, which is neutral and non-polar, with phenylalanine, which is neutral and non-polar, at codon 116 of the TNNI3K protein (p.Leu116Phe). This variant is not present in population databases (gnomAD no frequency). This variant has not been reported in the literature in individuals affected with TNNI3K-related conditions. Invitae Evidence Modeling of protein sequence and biophysical properties (such as structural, functional, and spatial information, amino acid conservation, physicochemical variation, residue mobility, and thermodynamic stability) indicates that this missense variant is not expected to disrupt TNNI3K protein function with a negative predictive value of 80%. In summary, the available evidence is currently insufficient to determine the role of this variant in disease. Therefore, it has been classified as a Variant of Uncertain Significance.